The following is an entry in ClinVar:

NM_153717.3(EVC):c.983T>C (p.Leu328Pro)

Gene: EVC (EvC ciliary complex subunit 1; plus strand). Cytogenetic location: 4p16.2.
Variant type: single nucleotide variant.
Coding change: c.983T>C on transcript NM_153717.3 (MANE Select); coding-DNA position 983, T replaced by C.
Protein change: p.Leu328Pro; replaces leucine 328 with proline.
Molecular consequence: missense variant.
Genome position (GRCh38, 1-based): chr4:5,748,191, T>C. VCF-style: chr4-5748191-T-C. GRCh37 (hg19) VCF-style: chr4-5749918-T-C.
Other names: c.983T>C, p.Leu328Pro (NM_001306090.2, NM_001306092.2); short protein forms L328P.
Identifiers: ClinVar variation 4794533 (VCV004794533.1).
Genomic context (GRCh38, chr4:5,748,191, plus strand): 5'-TTGTGCTCATTTCACAGATGGAAGCTTTCTGGAAACAGATGGCAAATATCCAGCACTTTC[T>C]TGTGGACCAGTTTAAGTGTTCCAGCTCCAAAGCCCGACAGCTGATGATGACTCTGACGGA-3'
Protein context (NP_714928.1, residues 318-338): WKQMANIQHF[Leu328Pro]VDQFKCSSSK

ClinVar aggregate classification (germline): Uncertain significance (1 of 4 stars; one submission).

Conditions:
Ellis-van Creveld syndrome (EVC). Also called: MESOECTODERMAL DYSPLASIA; EVC-Related Ellis-van Creveld Syndrome; EVC2-Related Ellis-van Creveld Syndrome; Chondroectodermal dysplasia. Identifiers: Orphanet 289, MedGen C0013903, MONDO:0009162, OMIM 225500.
Curry-Hall syndrome (WAD). Also called: WEYERS ACRODENTAL DYSOSTOSIS. Identifiers: Orphanet 952, MedGen C0457013, MONDO:0008673, OMIM 193530.

gnomAD v4.1: 9 of 1,614,242 alleles (0.00056%); highest among the groups gnomAD compares: South Asian, 0.0088%; no homozygotes.

Submission:

Labcorp Genetics (formerly Invitae), Labcorp
Classification: Uncertain significance for Curry-Hall syndrome; Ellis-van Creveld syndrome. Last evaluated: 2025-08-07. Review status: criteria provided, single submitter. Criteria: Invitae Variant Classification Sherloc (09022015). Collection method: clinical testing. Allele origin: germline.
Comment: This sequence change replaces leucine, which is neutral and non-polar, with proline, which is neutral and non-polar, at codon 328 of the EVC protein (p.Leu328Pro). This variant is present in population databases (no rsID available, gnomAD 0.006%). This variant has not been reported in the literature in individuals affected with EVC-related conditions. Invitae Evidence Modeling of protein sequence and biophysical properties (such as structural, functional, and spatial information, amino acid conservation, physicochemical variation, residue mobility, and thermodynamic stability) indicates that this missense variant is expected to disrupt EVC protein function with a positive predictive value of 95%. In summary, the available evidence is currently insufficient to determine the role of this variant in disease. Therefore, it has been classified as a Variant of Uncertain Significance.